The following is an entry in ClinVar:

NM_004991.4(MECOM):c.2182G>A (p.Gly728Ser)

Gene: MECOM (MDS1 and EVI1 complex locus; minus strand). Cytogenetic location: 3q26.2.
Variant type: single nucleotide variant.
Coding change: c.2182G>A on transcript NM_004991.4 (MANE Select); coding-DNA position 2182, G replaced by A.
Protein change: p.Gly728Ser; replaces glycine 728 with serine.
Molecular consequence: missense variant.
Genome position (GRCh38, 1-based): chr3:169,115,690, C>T on the plus strand (G>A on the coding strand, the complement: MECOM is on the minus strand). VCF-style: chr3-169115690-C-T. GRCh37 (hg19) VCF-style: chr3-168833478-C-T.
Other names: c.1813G>A, p.Gly605Ser (NM_001105077.4); c.1618G>A, p.Gly540Ser (NM_001105078.4, NM_001164000.2, NM_001205194.2 and 4 more transcripts); c.1621G>A, p.Gly541Ser (NM_001163999.2, NM_001366467.2, NM_001366468.2 and 1 more transcripts); c.2182G>A, p.Gly728Ser (NM_001366466.2); c.1210G>A, p.Gly404Ser (NM_001366473.2); c.646G>A, p.Gly216Ser (NM_001366474.2); short protein forms G216S, G540S, G728S, G541S, G404S, G605S.
Identifiers: ClinVar variation 2903228 (VCV002903228.3), dbSNP rs2549405217, ClinGen allele CA355085662.

ClinVar aggregate classification (germline): Uncertain significance (1 of 4 stars; one submission).

Submission:

Labcorp Genetics (formerly Invitae), Labcorp
Classification: Uncertain significance. Last evaluated: 2022-12-14. Review status: criteria provided, single submitter. Criteria: Invitae Variant Classification Sherloc (09022015). Collection method: clinical testing. Allele origin: germline.
Comment: This sequence change replaces glycine, which is neutral and non-polar, with serine, which is neutral and polar, at codon 540 of the MECOM protein (p.Gly540Ser). This variant is not present in population databases (gnomAD no frequency). This variant has not been reported in the literature in individuals affected with MECOM-related conditions. Algorithms developed to predict the effect of missense changes on protein structure and function output the following: SIFT: "Tolerated"; PolyPhen-2: "Benign"; Align-GVGD: "Class C0". The serine amino acid residue is found in multiple mammalian species, which suggests that this missense change does not adversely affect protein function. In summary, the available evidence is currently insufficient to determine the role of this variant in disease. Therefore, it has been classified as a Variant of Uncertain Significance.